The following is an entry in ClinVar:

NM_139057.4(ADAMTS17):c.2815A>G (p.Lys939Glu)

Gene: ADAMTS17 (ADAM metallopeptidase with thrombospondin type 1 motif 17; minus strand). Cytogenetic location: 15q26.3.
Variant type: single nucleotide variant.
Coding change: c.2815A>G on transcript NM_139057.4 (MANE Select); coding-DNA position 2815, A replaced by G.
Protein change: p.Lys939Glu; replaces lysine 939 with glutamic acid.
Molecular consequence: missense variant.
Genome position (GRCh38, 1-based): chr15:99,993,182, T>C on the plus strand (A>G on the coding strand, the complement: ADAMTS17 is on the minus strand). VCF-style: chr15-99993182-T-C. GRCh37 (hg19) VCF-style: chr15-100533387-T-C.
Other names: short protein forms K939E.
Identifiers: ClinVar variation 1937907 (VCV001937907.5), dbSNP rs2547991740, ClinGen allele CA393693620.

ClinVar aggregate classification (germline): Uncertain significance (1 of 4 stars; one submission).

Submission:

Labcorp Genetics (formerly Invitae), Labcorp
Classification: Uncertain significance. Last evaluated: 2022-01-14. Review status: criteria provided, single submitter. Criteria: Invitae Variant Classification Sherloc (09022015). Collection method: clinical testing. Allele origin: germline.
Comment: This sequence change replaces lysine, which is basic and polar, with glutamic acid, which is acidic and polar, at codon 939 of the ADAMTS17 protein (p.Lys939Glu). In summary, the available evidence is currently insufficient to determine the role of this variant in disease. Therefore, it has been classified as a Variant of Uncertain Significance. Algorithms developed to predict the effect of missense changes on protein structure and function are either unavailable or do not agree on the potential impact of this missense change (SIFT: "Not Available"; PolyPhen-2: "Benign"; Align-GVGD: "Not Available"). This variant has not been reported in the literature in individuals affected with ADAMTS17-related conditions. This variant is not present in population databases (gnomAD no frequency).